The following is an entry in ClinVar:

ClinVar aggregate classification (germline): Pathogenic. Review status: criteria provided, multiple submitters, no conflicts (2 of 4 stars). 7 submissions from 7 submitters: Pathogenic (5). 2 of the submissions do not count toward it. Last evaluated 2024-01-19.

Conditions:
Glucocorticoid-remediable aldosteronism. Also called: Hyperaldosteronism, familial, type I; ACTH-DEPENDENT HYPERALDOSTERONISM SYNDROME; ALDOSTERONISM, SENSITIVE TO DEXAMETHASONE; FH I; GLUCOCORTICOID-SUPPRESSIBLE HYPERALDOSTERONISM. Identifiers: Orphanet 403, MedGen C3838731, MONDO:0007080, OMIM 103900.
Deficiency of steroid 11-beta-monooxygenase (CYP11B1). Also called: ADRENAL HYPERPLASIA, CONGENITAL, DUE TO STEROID 11-BETA-HYDROXYLASE DEFICIENCY; 11-BETA-HYDROXYLASE DEFICIENCY; P450C11B1 DEFICIENCY; STEROID 11-BETA-HYDROXYLASE DEFICIENCY; Congenital adrenal hyperplasia due to 11-beta-hydroxylase deficiency; ADRENAL HYPERPLASIA IV. Identifiers: Orphanet 90795, MedGen C0268292, MONDO:0008729, OMIM 202010. Disease mechanism: loss of function.

Allele frequency attached by ClinVar (database versions not stated): TOPMed below 0.00001; gnomAD 0.00001.
gnomAD v4.1: 6 of 1,614,100 alleles (0.00037%); highest among the groups gnomAD compares: Middle Eastern, 0.033%; no homozygotes.

Submissions (7):

Fulgent Genetics
Classification: Pathogenic for Glucocorticoid-remediable aldosteronism; Deficiency of steroid 11-beta-monooxygenase. Last evaluated: 2024-01-19. Review status: criteria provided, single submitter. Criteria: ACMG Guidelines, 2015. Collection method: clinical testing. Allele origin: germline.

Baylor Genetics
Classification: Pathogenic for Deficiency of steroid 11-beta-monooxygenase. Last evaluated: 2023-08-06. Review status: criteria provided, single submitter. Criteria: ACMG Guidelines, 2015. Collection method: clinical testing. Allele origin: unknown.

Labcorp Genetics (formerly Invitae), Labcorp
Classification: Pathogenic. Last evaluated: 2023-07-03. Review status: criteria provided, single submitter. Criteria: Invitae Variant Classification Sherloc (09022015). Collection method: clinical testing. Allele origin: germline.
Comment: For these reasons, this variant has been classified as Pathogenic. Experimental studies have shown that this missense change affects CYP11B1 function (PMID: 15755848, 18663314). Advanced modeling of protein sequence and biophysical properties (such as structural, functional, and spatial information, amino acid conservation, physicochemical variation, residue mobility, and thermodynamic stability) has been performed at Invitae for this missense variant, however the output from this modeling did not meet the statistical confidence thresholds required to predict the impact of this variant on CYP11B1 protein function. ClinVar contains an entry for this variant (Variation ID: 56832). This missense change has been observed in individual(s) with clinical features of 11β-hydroxylase deficiency (PMID: 15755848, 18663314, 28228528, 33830237). In at least one individual the data is consistent with being in trans (on the opposite chromosome) from a pathogenic variant. This variant is not present in population databases (gnomAD no frequency). This sequence change replaces leucine, which is neutral and non-polar, with proline, which is neutral and non-polar, at codon 299 of the CYP11B1 protein (p.Leu299Pro).

GeneDx
Classification: Pathogenic. Last evaluated: 2022-01-20. Review status: criteria provided, single submitter. Criteria: GeneDx Variant Classification Process June 2021. Collection method: clinical testing. Allele origin: germline. Affected: yes.
Comment: Published functional studies demonstrate reduced CYP1B1 enzymatic activity (Krone N et al., 2005); Not observed at significant frequency in large population cohorts (gnomAD); This variant is associated with the following publications: (PMID: 34426522, 26956189, 18663314, 15755848, 28228528, 29626607, 24022297)

Athena Diagnostics
Classification: Pathogenic. Last evaluated: 2019-06-12. Review status: criteria provided, single submitter. Criteria: Athena Diagnostics Criteria. Collection method: clinical testing. Allele origin: germline.
Comment: Not found in the total gnomAD dataset, and the data is high quality (0/282818 chr). Found in at least one symptomatic patient. Predicted to have a damaging effect on the protein. Damaging to protein function(s) relevant to disease mechanism. Very strong co-segregation with disease, and data include affected and unaffected individuals from multiple families.

Counsyl
Classification: Likely pathogenic for Deficiency of steroid 11-beta-monooxygenase. Last evaluated: 2018-04-06. Review status: no assertion criteria provided. Collection method: clinical testing. Allele origin: unknown. Not counted in ClinVar's aggregate classification.

Pediatric Endocrinology Laboratory; Christian Albrechts University of Kiel
No classification provided. Condition: Deficiency of steroid 11-beta-monooxygenase. Review status: no classification provided. Collection method: not provided. Allele origin: germline. Not counted in ClinVar's aggregate classification.

Literature cited by the submitters: PubMed 15755848 (cited by 3 submitters); PubMed 18663314 (cited by 3 submitters); PubMed 28228528 (cited by Labcorp Genetics (formerly Invitae), Labcorp and Athena Diagnostics); PubMed 33830237 (cited by Labcorp Genetics (formerly Invitae), Labcorp); PubMed 29626607 (cited by Athena Diagnostics); PubMed 24022297 (cited by Athena Diagnostics and Counsyl); PubMed 26956189 (cited by Athena Diagnostics and Counsyl).

NM_000497.4(CYP11B1):c.896T>C (p.Leu299Pro)

Genes: CYP11B1 (cytochrome P450 family 11 subfamily B member 1; minus strand), LOC106799833 (CYP11B1 recombination region; plus strand). Cytogenetic location: 8q24.3.
Variant type: single nucleotide variant.
Coding change: c.896T>C on transcript NM_000497.4 (MANE Select); coding-DNA position 896, T replaced by C.
Protein change: p.Leu299Pro; replaces leucine 299 with proline.
Molecular consequence: missense variant.
Genome position (GRCh38, 1-based): chr8:142,876,299, A>G on the plus strand (T>C on the coding strand, the complement: CYP11B1 is on the minus strand). VCF-style: chr8-142876299-A-G. GRCh37 (hg19) VCF-style: chr8-143957715-A-G.
Other names: c.896T>C, p.Leu299Pro (NM_001026213.1); short protein forms L299P.
Identifiers: ClinVar variation 56832 (VCV000056832.10), dbSNP rs387907573, ClinGen allele CA344779.
Genomic context (GRCh38, chr8:142,876,299, plus strand): 5'-ACCGTGTCCACGCTCCCTGCAGTGAGTTCCATAGAGTTGGCCTTGATGGCATCTGGCGAC[A>G]GTTCCGCATTCAACAGGAGCTCCGCCACGATGCTGGTGTACTGTTGAGGGCGGCTGAAGG-3'
Protein context (NP_000488.3, residues 289-309): IVAELLLNAE[Leu299Pro]SPDAIKANSM